The following is an entry in ClinVar:

NM_000051.4(ATM):c.5418_5419insC (p.Lys1807fs)

Gene: ATM (ATM serine/threonine kinase; plus strand). Cytogenetic location: 11q22.3.
Variant type: Insertion.
Coding change: c.5418_5419insC on transcript NM_000051.4 (MANE Select); coding-DNA positions 5418 to 5419, C inserted.
Protein change: p.Lys1807fs; shifts the reading frame from lysine 1807.
Molecular consequence: frameshift variant.
Genome position: GRCh38 VCF-style: chr11-108302951-A-AC. GRCh37 (hg19) VCF-style: chr11-108173678-A-AC.
Other names: c.5418_5419insC, p.Lys1807fs (NM_001351834.2); short protein forms K1807fs.
Identifiers: ClinVar variation 3904744 (VCV003904744.2).

ClinVar aggregate classification (germline): Pathogenic. Review status: criteria provided, multiple submitters, no conflicts (2 of 4 stars). 2 submissions from 2 submitters: Pathogenic (2). Last evaluated 2026-05-15.

Conditions:
Hereditary cancer-predisposing syndrome. Also called: Neoplastic Syndromes, Hereditary; Tumor predisposition; Hereditary Cancer Syndrome; Hereditary neoplastic syndrome. Identifiers: Orphanet 140162, MedGen C0027672, MeSH D009386, MONDO:0015356.
Familial cancer of breast. Also called: BREAST CANCER, FAMILIAL; Hereditary breast cancer; hereditary breast carcinoma. Identifiers: Orphanet 227535, MedGen C0346153, MONDO:0016419, OMIM 114480. Disease mechanism: loss of function.

Submissions (2):

Ambry Genetics
Classification: Pathogenic for Hereditary cancer-predisposing syndrome. Last evaluated: 2026-05-15. Review status: criteria provided, single submitter. Criteria: Ambry Variant Classification Scheme 2023. Collection method: clinical testing. Allele origin: germline.
Comment: The c.5418_5419insC pathogenic mutation, located in coding exon 35 of the ATM gene, results from an insertion of one nucleotide at position 5418, causing a translational frameshift with a predicted alternate stop codon (p.K1807Qfs*16). This variant is considered to be rare based on population cohorts in the Genome Aggregation Database (gnomAD). This variant is expected to result in loss of function by premature protein truncation or nonsense-mediated mRNA decay. As such, this variant is interpreted as a disease-causing mutation.

Myriad Genetics, Inc.
Classification: Pathogenic for Familial cancer of breast. Last evaluated: 2025-03-18. Review status: criteria provided, single submitter. Criteria: Myriad Autosomal Dominant, Autosomal Recessive and X-Linked Classification Criteria (2023). Collection method: clinical testing. Allele origin: unknown.
Comment: This variant is considered pathogenic. This variant creates a frameshift predicted to result in premature protein truncation.